The following is an entry in ClinVar:

NM_020937.4(FANCM):c.2512G>C (p.Glu838Gln)

Gene: FANCM (FA complementation group M; plus strand). Cytogenetic location: 14q21.2.
Variant type: single nucleotide variant.
Coding change: c.2512G>C on transcript NM_020937.4 (MANE Select); coding-DNA position 2512, G replaced by C.
Protein change: p.Glu838Gln; replaces glutamic acid 838 with glutamine.
Molecular consequence: missense variant.
Genome position (GRCh38, 1-based): chr14:45,175,266, G>C. VCF-style: chr14-45175266-G-C. GRCh37 (hg19) VCF-style: chr14-45644469-G-C.
Other names: c.2434G>C, p.Glu812Gln (NM_001308133.2); short protein forms E812Q, E838Q.
Identifiers: ClinVar variation 4254605 (VCV004254605.1).

ClinVar aggregate classification (germline): Uncertain significance (1 of 4 stars; one submission).

Conditions:
Inborn genetic diseases. Identifiers: MedGen C0950123, MeSH D030342.

Submission:

Ambry Genetics
Classification: Uncertain significance for Inborn genetic diseases. Last evaluated: 2025-07-22. Review status: criteria provided, single submitter. Criteria: Ambry Variant Classification Scheme 2023. Collection method: clinical testing. Allele origin: germline.
Comment: The p.E838Q variant (also known as c.2512G>C), located in coding exon 14 of the FANCM gene, results from a G to C substitution at nucleotide position 2512. The glutamic acid at codon 838 is replaced by glutamine, an amino acid with highly similar properties. This amino acid position is conserved. In addition, this alteration is predicted to be tolerated by in silico analysis. Based on the available evidence, the clinical significance of this variant remains unclear.